The following is an entry in ClinVar:

NM_182943.3(PLOD2):c.383A>T (p.Lys128Ile)

Genes: PLOD2 (procollagen-lysine,2-oxoglutarate 5-dioxygenase 2; minus strand), LOC129389144 (MPRA-validated peak4856 silencer; plus strand). Cytogenetic location: 3q24.
Variant type: single nucleotide variant.
Coding change: c.383A>T on transcript NM_182943.3 (MANE Select); coding-DNA position 383, A replaced by T.
Protein change: p.Lys128Ile; replaces lysine 128 with isoleucine.
Molecular consequence: missense variant.
Genome position (GRCh38, 1-based): chr3:146,110,404, T>A on the plus strand (A>T on the coding strand, the complement: PLOD2 is on the minus strand). VCF-style: chr3-146110404-T-A. GRCh37 (hg19) VCF-style: chr3-145828191-T-A.
Other names: c.383A>T, p.Lys128Ile (NM_000935.3); c.383A>T (NM_000935.2); short protein forms K128I.
Identifiers: ClinVar variation 1428867 (VCV001428867.6), dbSNP rs768259379, ClinGen allele CA2655259.

ClinVar aggregate classification (germline): Uncertain significance. Review status: criteria provided, multiple submitters, no conflicts (2 of 4 stars). 2 submissions from 2 submitters: Uncertain significance (2). Last evaluated 2025-05-18.

Conditions:
Inborn genetic diseases. Identifiers: MedGen C0950123, MeSH D030342.

Allele frequency attached by ClinVar (database versions not stated): gnomAD exomes 0.00001; TOPMed below 0.00001; ExAC 0.00001; gnomAD 0.00001.
gnomAD v4.1: 39 of 1,613,554 alleles (0.0024%); highest among the groups gnomAD compares: Non-Finnish European, 0.0032%; no homozygotes.

Submissions (2):

Ambry Genetics
Classification: Uncertain significance for Inborn genetic diseases. Last evaluated: 2025-05-18. Review status: criteria provided, single submitter. Criteria: Ambry Variant Classification Scheme 2023. Collection method: clinical testing. Allele origin: germline.

Labcorp Genetics (formerly Invitae), Labcorp
Classification: Uncertain significance. Last evaluated: 2022-10-18. Review status: criteria provided, single submitter. Criteria: Invitae Variant Classification Sherloc (09022015). Collection method: clinical testing. Allele origin: germline.
Comment: This sequence change replaces lysine, which is basic and polar, with isoleucine, which is neutral and non-polar, at codon 128 of the PLOD2 protein (p.Lys128Ile). This variant is present in population databases (rs768259379, gnomAD 0.002%). This variant has not been reported in the literature in individuals affected with PLOD2-related conditions. ClinVar contains an entry for this variant (Variation ID: 1428867). Algorithms developed to predict the effect of missense changes on protein structure and function (SIFT, PolyPhen-2, Align-GVGD) all suggest that this variant is likely to be disruptive. In summary, the available evidence is currently insufficient to determine the role of this variant in disease. Therefore, it has been classified as a Variant of Uncertain Significance.